The following is an entry in ClinVar:

NM_005816.5(CD96):c.86C>G (p.Thr29Arg)

Gene: CD96 (CD96 molecule; plus strand). Cytogenetic location: 3q13.13.
Variant type: single nucleotide variant.
Coding change: c.86C>G on transcript NM_005816.5 (MANE Select); coding-DNA position 86, C replaced by G.
Protein change: p.Thr29Arg; replaces threonine 29 with arginine.
Molecular consequence: missense variant. On other transcripts: non-coding transcript variant (1).
Genome position (GRCh38, 1-based): chr3:111,545,070, C>G. VCF-style: chr3-111545070-C-G. GRCh37 (hg19) VCF-style: chr3-111263917-C-G.
Other names: c.86C>G, p.Thr29Arg (NM_001318889.2, NM_001410800.1, NM_198196.3); short protein forms T29R.
Identifiers: ClinVar variation 2544784 (VCV002544784.4), dbSNP rs1004724022, ClinGen allele CA80765358.

ClinVar aggregate classification (germline): Uncertain significance. Review status: criteria provided, multiple submitters, no conflicts (2 of 4 stars). 2 submissions from 2 submitters: Uncertain significance (2). Last evaluated 2025-06-22.

Allele frequency attached by ClinVar (database versions not stated): gnomAD exomes below 0.00001; gnomAD 0.00002; TOPMed 0.00006.
gnomAD v4.1: 10 of 1,613,980 alleles (0.00062%); highest among the groups gnomAD compares: Admixed American, 0.005%; no homozygotes.

Submissions (2):

Ambry Genetics
Classification: Uncertain significance. Last evaluated: 2025-06-22. Review status: criteria provided, single submitter. Criteria: Ambry Variant Classification Scheme 2023. Collection method: clinical testing. Allele origin: germline.

Labcorp Genetics (formerly Invitae), Labcorp
Classification: Uncertain significance. Last evaluated: 2025-02-27. Review status: criteria provided, single submitter. Criteria: Invitae Variant Classification Sherloc (09022015). Collection method: clinical testing. Allele origin: germline.
Comment: This sequence change replaces threonine, which is neutral and polar, with arginine, which is basic and polar, at codon 29 of the CD96 protein (p.Thr29Arg). This variant is not present in population databases (gnomAD no frequency). This variant has not been reported in the literature in individuals affected with CD96-related conditions. ClinVar contains an entry for this variant (Variation ID: 2544784). Invitae Evidence Modeling of protein sequence and biophysical properties (such as structural, functional, and spatial information, amino acid conservation, physicochemical variation, residue mobility, and thermodynamic stability) indicates that this missense variant is not expected to disrupt CD96 protein function with a negative predictive value of 80%. In summary, the available evidence is currently insufficient to determine the role of this variant in disease. Therefore, it has been classified as a Variant of Uncertain Significance.